The following is an entry in ClinVar:

ClinVar aggregate classification (germline): Uncertain significance (1 of 4 stars; one submission).

Conditions:
Sulfite oxidase deficiency due to molybdenum cofactor deficiency type C. Also called: Molybdenum cofactor deficiency, complementation group C; Molybdenum cofactor deficiency C. Identifiers: Orphanet 308400, Orphanet 833, MedGen C1854990, MONDO:0014212, OMIM 615501.

Allele frequency attached by ClinVar (database versions not stated): gnomAD 0.00001; gnomAD exomes 0.00001.
gnomAD v4.1: 5 of 1,612,592 alleles (0.00031%); highest among the groups gnomAD compares: African/African-American, 0.004%; no homozygotes.

Submission:

Labcorp Genetics (formerly Invitae), Labcorp
Classification: Uncertain significance for Sulfite oxidase deficiency due to molybdenum cofactor deficiency type C. Last evaluated: 2025-12-04. Review status: criteria provided, single submitter. Criteria: Invitae Variant Classification Sherloc (09022015). Collection method: clinical testing. Allele origin: germline.
Comment: This sequence change replaces threonine, which is neutral and polar, with alanine, which is neutral and non-polar, at codon 199 of the GPHN protein (p.Thr199Ala). This variant is present in population databases (no rsID available, gnomAD 0.01%). This variant has not been reported in the literature in individuals affected with GPHN-related conditions. ClinVar contains an entry for this variant (Variation ID: 1519407). Invitae Evidence Modeling of protein sequence and biophysical properties (such as structural, functional, and spatial information, amino acid conservation, physicochemical variation, residue mobility, and thermodynamic stability) indicates that this missense variant is not expected to disrupt GPHN protein function with a negative predictive value of 80%. In summary, the available evidence is currently insufficient to determine the role of this variant in disease. Therefore, it has been classified as a Variant of Uncertain Significance.

NM_020806.5(GPHN):c.595A>G (p.Thr199Ala)

Gene: GPHN (gephyrin; plus strand). Cytogenetic location: 14q23.3.
Variant type: single nucleotide variant.
Coding change: c.595A>G on transcript NM_020806.5 (MANE Select); coding-DNA position 595, A replaced by G.
Protein change: p.Thr199Ala; replaces threonine 199 with alanine.
Molecular consequence: missense variant.
Genome position (GRCh38, 1-based): chr14:66,922,804, A>G. VCF-style: chr14-66922804-A-G. GRCh37 (hg19) VCF-style: chr14-67389521-A-G.
Other names: c.595A>G, p.Thr199Ala (NM_001024218.2, NM_001377515.1, NM_001377516.1 and 2 more transcripts); c.634A>G, p.Thr212Ala (NM_001377514.1, NM_001377519.1); short protein forms T199A, T212A.
Identifiers: ClinVar variation 1519407 (VCV001519407.8), dbSNP rs970248522, ClinGen allele CA263286988.
Genomic context (GRCh38, chr14:66,922,804, plus strand): 5'-GTGCATGATGAACTTGAAGATTTGCCTTCCCCACCTCCCCCTCTTTCCCCTCCTCCTACT[A>G]CCAGCCCCCATAAACAGACAGAAGACAAAGGAGTTCAATGTGAGGAAGAGGAAGAAGAGA-3'
Protein context (NP_065857.1, residues 189-209): PPPPLSPPPT[Thr199Ala]SPHKQTEDKG